The following is an entry in ClinVar:

NM_003200.5(TCF3):c.1765C>A (p.Leu589Met)

Gene: TCF3 (transcription factor 3; minus strand). Cytogenetic location: 19p13.3.
Variant type: single nucleotide variant.
Coding change: c.1765C>A on transcript NM_003200.5 (MANE Select); coding-DNA position 1765, C replaced by A.
Protein change: p.Leu589Met; replaces leucine 589 with methionine.
Molecular consequence: missense variant. On other transcripts: intron variant (2).
Genome position (GRCh38, 1-based): chr19:1,615,342, G>T on the plus strand (C>A on the coding strand, the complement: TCF3 is on the minus strand). VCF-style: chr19-1615342-G-T. GRCh37 (hg19) VCF-style: chr19-1615341-G-T.
Other names: c.1762C>A, p.Leu588Met (NM_001351778.2); c.1586+344C>A (NM_001136139.4, NM_001351779.2); short protein forms L589M, L588M.
Identifiers: ClinVar variation 2854842 (VCV002854842.3), dbSNP rs766477666, ClinGen allele CA9049637.

ClinVar aggregate classification (germline): Uncertain significance (1 of 4 stars; one submission).

Allele frequency attached by ClinVar (database versions not stated): gnomAD exomes below 0.00001; ExAC 0.00001.
gnomAD v4.1: 1 of 1,612,846 alleles (0.000062%); highest among the groups gnomAD compares: Admixed American, 0.0017%; no homozygotes.

Submission:

Labcorp Genetics (formerly Invitae), Labcorp
Classification: Uncertain significance. Last evaluated: 2023-04-10. Review status: criteria provided, single submitter. Criteria: Invitae Variant Classification Sherloc (09022015). Collection method: clinical testing. Allele origin: germline.
Comment: This variant has not been reported in the literature in individuals affected with TCF3-related conditions. In summary, the available evidence is currently insufficient to determine the role of this variant in disease. Therefore, it has been classified as a Variant of Uncertain Significance. Advanced modeling of protein sequence and biophysical properties (such as structural, functional, and spatial information, amino acid conservation, physicochemical variation, residue mobility, and thermodynamic stability) performed at Invitae indicates that this missense variant is expected to disrupt TCF3 protein function. This variant is present in population databases (rs766477666, gnomAD 0.003%). This sequence change replaces leucine, which is neutral and non-polar, with methionine, which is neutral and non-polar, at codon 589 of the TCF3 protein (p.Leu589Met).